The following is an entry in ClinVar:

ClinVar aggregate classification (germline): Uncertain significance (1 of 4 stars; one submission).

Allele frequency attached by ClinVar (database versions not stated): gnomAD exomes 0.00001.
gnomAD v4.1: 5 of 1,614,142 alleles (0.00031%); highest among the groups gnomAD compares: Non-Finnish European, 0.00042%; no homozygotes.

Submission:

Ambry Genetics
Classification: Uncertain significance. Last evaluated: 2023-02-24. Review status: criteria provided, single submitter. Criteria: Ambry Variant Classification Scheme 2023. Collection method: clinical testing. Allele origin: germline.
Comment: The p.I305V variant (also known as c.913A>G), located in coding exon 1 of the MLH3 gene, results from an A to G substitution at nucleotide position 913. The isoleucine at codon 305 is replaced by valine, an amino acid with highly similar properties. This amino acid position is conserved. In addition, this alteration is predicted to be tolerated by in silico analysis. Since supporting evidence is limited at this time, the clinical significance of this alteration remains unclear.

NM_001040108.2(MLH3):c.913A>G (p.Ile305Val)

Gene: MLH3 (mutL homolog 3; minus strand). Cytogenetic location: 14q24.3.
Variant type: single nucleotide variant.
Coding change: c.913A>G on transcript NM_001040108.2 (MANE Select); coding-DNA position 913, A replaced by G.
Protein change: p.Ile305Val; replaces isoleucine 305 with valine.
Molecular consequence: missense variant.
Genome position (GRCh38, 1-based): chr14:75,048,743, T>C on the plus strand (A>G on the coding strand, the complement: MLH3 is on the minus strand). VCF-style: chr14-75048743-T-C. GRCh37 (hg19) VCF-style: chr14-75515446-T-C.
Other names: c.913A>G, p.Ile305Val (NM_014381.3); short protein forms I305V.
Identifiers: ClinVar variation 2497079 (VCV002497079.2), dbSNP rs1173214757, ClinGen allele CA390448766.
Genomic context (GRCh38, chr14:75,048,743, plus strand): 5'-TGGCTGGCTCCATGCACACATCATACTCACAGAATTGGCACTGCACATTAATTACATATA[T>C]GCCATAGAGTTCTGGGGTAGACCGGTGCCGAAGACTTGAATTCATTTGCCTACTGGTGGG-3'
Protein context (NP_001035197.1, residues 295-315): RHRSTPELYG[Ile305Val]YVINVQCQFC